The following is an entry in ClinVar:

ClinVar aggregate classification (germline): Uncertain significance. Review status: criteria provided, multiple submitters, no conflicts (2 of 4 stars). 2 submissions from 2 submitters: Uncertain significance (2). Last evaluated 2025-01-26.

Conditions:
Hypercholanemia, familial, 2. Also called: NTCP deficiency. Identifiers: MedGen C5543243, MONDO:0031003, OMIM 619256. Disease mechanism: loss of function.

gnomAD v4.1: 9 of 1,613,738 alleles (0.00056%); highest among the groups gnomAD compares: Non-Finnish European, 0.00059%; no homozygotes.

Submissions (2):

Ambry Genetics
Classification: Uncertain significance. Last evaluated: 2025-01-26. Review status: criteria provided, single submitter. Criteria: Ambry Variant Classification Scheme 2023. Collection method: clinical testing. Allele origin: germline.

3billion
Classification: Uncertain significance for Hypercholanemia, familial, 2. Last evaluated: 2023-02-23. Review status: criteria provided, single submitter. Criteria: ACMG Guidelines, 2015. Collection method: clinical testing. Allele origin: unknown. Affected: yes.
Comment: The variant is not observed in the gnomAD v2.1.1 dataset. In silico tool predictions suggest damaging effect of the variant on gene or gene product (REVEL: 0.91). The variant is in trans with other pathogenic variant. Therefore, this variant is classified as VUS according to the recommendation of ACMG/AMP guideline.

NM_003049.4(SLC10A1):c.806T>G (p.Ile269Ser)

Gene: SLC10A1 (solute carrier family 10 member 1; minus strand). Cytogenetic location: 14q24.1.
Variant type: single nucleotide variant.
Coding change: c.806T>G on transcript NM_003049.4 (MANE Select); coding-DNA position 806, T replaced by G.
Protein change: p.Ile269Ser; replaces isoleucine 269 with serine.
Molecular consequence: missense variant.
Genome position (GRCh38, 1-based): chr14:69,778,470, A>C on the plus strand (T>G on the coding strand, the complement: SLC10A1 is on the minus strand). VCF-style: chr14-69778470-A-C. GRCh37 (hg19) VCF-style: chr14-70245187-A-C.
Other names: c.806T>G (NM_003049.3); short protein forms I269S.
Identifiers: ClinVar variation 2444366 (VCV002444366.2), dbSNP rs201672997, ClinGen allele CA262950244.